The following is an entry in ClinVar:

NM_003873.7(NRP1):c.2595T>C (p.Ser865=)

Gene: NRP1 (neuropilin 1; minus strand). Cytogenetic location: 10p11.22.
Variant type: single nucleotide variant.
Coding change: c.2595T>C on transcript NM_003873.7 (MANE Select); coding-DNA position 2595, T replaced by C.
Protein change: p.Ser865=; no amino-acid change (serine 865 retained).
Molecular consequence: synonymous variant. On other transcripts: non-coding transcript variant (1).
Genome position (GRCh38, 1-based): chr10:33,180,253, A>G on the plus strand (T>C on the coding strand, the complement: NRP1 is on the minus strand). VCF-style: chr10-33180253-A-G. GRCh37 (hg19) VCF-style: chr10-33469181-A-G.
Other names: c.2577T>C, p.Ser859= (NM_001244972.2); c.2574T>C, p.Ser858= (NM_001244973.2); c.2544T>C, p.Ser848= (NM_001330068.2).
Identifiers: ClinVar variation 3059358 (VCV003059358.2), dbSNP rs1048804, ClinGen allele CA5466125.

ClinVar aggregate classification (germline): Benign (0 of 4 stars; one submission).

Conditions:
NRP1-related disorder. Also called: NRP1-related condition.

Allele frequency attached by ClinVar (database versions not stated): gnomAD exomes 0.25737; ExAC 0.29812; ESP Exome Variant Server 0.32554; gnomAD 0.33283; TOPMed 0.34469; 1000 Genomes Project 30x 0.41958; 1000 Genomes Project 0.42432.
gnomAD v4.1: 428,457 of 1,613,702 alleles (27%); highest among the groups gnomAD compares: East Asian, 65%; 65,212 homozygotes.

Submission:

PreventionGenetics, part of Exact Sciences
Classification: Benign for NRP1-related condition. Last evaluated: 2019-10-21. Review status: no assertion criteria provided. Collection method: clinical testing. Allele origin: germline.
Comment: This variant is classified as benign based on ACMG/AMP sequence variant interpretation guidelines (Richards et al. 2015 PMID: 25741868, with internal and published modifications).